The following is an entry in ClinVar:

NM_130466.4(UBE3B):c.1445T>A (p.Leu482His)

Gene: UBE3B (ubiquitin protein ligase E3B; plus strand). Cytogenetic location: 12q24.11.
Variant type: single nucleotide variant.
Coding change: c.1445T>A on transcript NM_130466.4 (MANE Select); coding-DNA position 1445, T replaced by A.
Protein change: p.Leu482His; replaces leucine 482 with histidine.
Molecular consequence: missense variant.
Genome position (GRCh38, 1-based): chr12:109,503,185, T>A. VCF-style: chr12-109503185-T-A. GRCh37 (hg19) VCF-style: chr12-109940990-T-A.
Other names: c.1445T>A, p.Leu482His (NM_183415.3); short protein forms L482H.
Identifiers: ClinVar variation 984707 (VCV000984707.1), dbSNP rs1879212341, ClinGen allele CA386636348.

ClinVar aggregate classification (germline): Uncertain significance (1 of 4 stars; one submission).

Conditions:
Oculocerebrofacial syndrome, Kaufman type. Also called: Blepharophimosis-ptosis-intellectual disability syndrome. Identifiers: Orphanet 2707, MedGen C1855663, MONDO:0009485, OMIM 244450.

Submission:

Institute of Human Genetics, University of Leipzig Medical Center
Classification: Uncertain significance for Oculocerebrofacial syndrome, Kaufman type. Last evaluated: 2020-03-01. Review status: criteria provided, single submitter. Criteria: ACMG Guidelines, 2015. Collection method: clinical testing. Allele origin: biparental. Inheritance: Autosomal recessive inheritance. Affected: yes.
Comment: Review of the variants reported in Reuter et al., 2017, PMID: 28097321: compund heterozygous variants: c.1445T>A: PM2,PM3,PP3 this variant was identified in trans with NM_130466.3:c.1616T>C